The following is an entry in ClinVar:

ClinVar aggregate classification (germline): Uncertain significance. Review status: criteria provided, multiple submitters, no conflicts (2 of 4 stars). 2 submissions from 2 submitters: Uncertain significance (2). Last evaluated 2024-01-11.

Conditions:
Hereditary cancer-predisposing syndrome. Also called: Tumor predisposition; Hereditary neoplastic syndrome; Neoplastic Syndromes, Hereditary; Hereditary Cancer Syndrome. Identifiers: Orphanet 140162, MedGen C0027672, MeSH D009386, MONDO:0015356.

Submissions (2):

Ambry Genetics
Classification: Uncertain significance for Hereditary cancer-predisposing syndrome. Last evaluated: 2024-01-11. Review status: criteria provided, single submitter. Criteria: Ambry Variant Classification Scheme 2023. Collection method: clinical testing. Allele origin: germline.
Comment: The p.E682V variant (also known as c.2045A>T), located in coding exon 19 of the POLE gene, results from an A to T substitution at nucleotide position 2045. The glutamic acid at codon 682 is replaced by valine, an amino acid with dissimilar properties. This amino acid position is conserved. In addition, the in silico prediction for this alteration is inconclusive. Since supporting evidence is limited at this time, the clinical significance of this alteration remains unclear.

GeneDx
Classification: Uncertain significance. Last evaluated: 2023-04-24. Review status: criteria provided, single submitter. Criteria: GeneDx Variant Classification Process June 2021. Collection method: clinical testing. Allele origin: germline. Affected: yes.
Comment: Not observed at significant frequency in large population cohorts (gnomAD); In silico analysis supports that this missense variant has a deleterious effect on protein structure/function; Has not been previously published as pathogenic or benign to our knowledge; This variant is associated with the following publications: (PMID: 20951805)

NM_006231.4(POLE):c.2045A>T (p.Glu682Val)

Gene: POLE (DNA polymerase epsilon, catalytic subunit; minus strand). Cytogenetic location: 12q24.33.
Variant type: single nucleotide variant.
Coding change: c.2045A>T on transcript NM_006231.4 (MANE Select); coding-DNA position 2045, A replaced by T.
Protein change: p.Glu682Val; replaces glutamic acid 682 with valine.
Molecular consequence: missense variant.
Genome position (GRCh38, 1-based): chr12:132,668,484, T>A on the plus strand (A>T on the coding strand, the complement: POLE is on the minus strand). VCF-style: chr12-132668484-T-A. GRCh37 (hg19) VCF-style: chr12-133245070-T-A.
Other names: short protein forms E682V.
Identifiers: ClinVar variation 2662181 (VCV002662181.2), dbSNP rs2135976197, ClinGen allele CA387354378.